The following is an entry in ClinVar:

ClinVar aggregate classification (germline): Likely benign (1 of 4 stars; one submission).

Allele frequency attached by ClinVar (database versions not stated): 1000 Genomes Project 0.00120; 1000 Genomes Project 30x 0.00125; TOPMed 0.00202; gnomAD 0.00224; ESP Exome Variant Server 0.00277.
gnomAD v4.1: 5,862 of 1,593,470 alleles (0.37%); highest among the groups gnomAD compares: Non-Finnish European, 0.43%; 16 homozygotes.

Submissions (13):

CeGaT Center for Human Genetics Tuebingen
Classification: Likely benign. Last evaluated: 2023-01-01. Review status: criteria provided, single submitter. Criteria: CeGaT Center For Human Genetics Tuebingen Variant Classification Criteria Version 2. Collection method: clinical testing. Allele origin: germline. Affected: yes. Observed: 1 variant allele.
Comment: AASDH: BP4, BS2

Dr. Peter K. Rogan Lab, Western University
No classification provided (evidence only). Condition: Clear cell carcinoma of kidney. Review status: no classification provided. Collection method: in vitro. Allele origin: not applicable. Functional consequence: skipped exon. Not counted in ClinVar's aggregate classification.

Dr. Peter K. Rogan Lab, Western University
No classification provided (evidence only). Condition: Lung cancer. Review status: no classification provided. Collection method: in vitro. Allele origin: not applicable. Functional consequence: skipped exon. Not counted in ClinVar's aggregate classification.

Dr. Peter K. Rogan Lab, Western University
No classification provided (evidence only). Condition: Melanoma. Review status: no classification provided. Collection method: in vitro. Allele origin: not applicable. Functional consequence: retained intron. Not counted in ClinVar's aggregate classification.

Dr. Peter K. Rogan Lab, Western University
No classification provided (evidence only). Condition: Acute myeloid leukemia. Review status: no classification provided. Collection method: in vitro. Allele origin: not applicable. Functional consequence: skipped exon, retained intron. Not counted in ClinVar's aggregate classification.

Dr. Peter K. Rogan Lab, Western University
No classification provided (evidence only). Condition: Uterine corpus endometrial carcinoma. Review status: no classification provided. Collection method: in vitro. Allele origin: not applicable. Functional consequence: retained intron. Not counted in ClinVar's aggregate classification.

Dr. Peter K. Rogan Lab, Western University
No classification provided (evidence only). Condition: Thymoma. Review status: no classification provided. Collection method: in vitro. Allele origin: not applicable. Functional consequence: retained intron. Not counted in ClinVar's aggregate classification.

Dr. Peter K. Rogan Lab, Western University
No classification provided (evidence only). Condition: Ovarian serous cystadenocarcinoma. Review status: no classification provided. Collection method: in vitro. Allele origin: not applicable. Functional consequence: skipped exon. Not counted in ClinVar's aggregate classification.

Dr. Peter K. Rogan Lab, Western University
No classification provided (evidence only). Condition: Ovarian serous cystadenocarcinoma. Review status: no classification provided. Collection method: in vitro. Allele origin: not applicable. Functional consequence: skipped exon. Not counted in ClinVar's aggregate classification.

Dr. Peter K. Rogan Lab, Western University
No classification provided (evidence only). Condition: Ovarian serous cystadenocarcinoma. Review status: no classification provided. Collection method: in vitro. Allele origin: not applicable. Functional consequence: skipped exon, retained intron. Not counted in ClinVar's aggregate classification.

Dr. Peter K. Rogan Lab, Western University
No classification provided (evidence only). Condition: Malignant tumor of esophagus. Review status: no classification provided. Collection method: in vitro. Allele origin: not applicable. Functional consequence: retained intron. Not counted in ClinVar's aggregate classification.

Dr. Peter K. Rogan Lab, Western University
No classification provided (evidence only). Condition: Malignant tumor of esophagus. Review status: no classification provided. Collection method: in vitro. Allele origin: not applicable. Functional consequence: skipped exon. Not counted in ClinVar's aggregate classification.

Dr. Peter K. Rogan Lab, Western University
No classification provided (evidence only). Condition: Nonpapillary renal cell carcinoma. Review status: no classification provided. Collection method: in vitro. Allele origin: not applicable. Functional consequence: skipped exon, retained intron. Not counted in ClinVar's aggregate classification.

NM_181806.4(AASDH):c.668G>T (p.Arg223Leu)

Gene: AASDH (aminoadipate-semialdehyde dehydrogenase; minus strand). Cytogenetic location: 4q12.
Variant type: single nucleotide variant.
Coding change: c.668G>T on transcript NM_181806.4 (MANE Select); coding-DNA position 668, G replaced by T.
Protein change: p.Arg223Leu; replaces arginine 223 with leucine.
Molecular consequence: missense variant. On other transcripts: intron variant (1), 5 prime UTR variant (1).
Genome position (GRCh38, 1-based): chr4:56,378,148, C>A on the plus strand (G>T on the coding strand, the complement: AASDH is on the minus strand). VCF-style: chr4-56378148-C-A. GRCh37 (hg19) VCF-style: chr4-57244314-C-A.
Other names: NC_000004.11:g.57244314C>A; c.-508+4329G>T (NM_001286670.2); c.368G>T, p.Arg123Leu (NM_001286668.2); c.209G>T, p.Arg70Leu (NM_001286669.2, NM_001323893.2); c.668G>T, p.Arg223Leu (NM_001286671.2, NM_001286672.2, NM_001323890.2 and 1 more transcripts); c.-357G>T (NM_001323899.2); short protein forms R123L, R223L, R70L.
Identifiers: ClinVar variation 2654768 (VCV002654768.25), dbSNP rs73240543, ClinGen allele CA2930024.